The following is an entry in ClinVar:

ClinVar aggregate classification (germline): Pathogenic. Review status: criteria provided, multiple submitters, no conflicts (2 of 4 stars). 4 submissions from 4 submitters: Pathogenic (3). 1 of the submissions does not count toward it. Last evaluated 2023-03-08.

Conditions:
TCOF1-related disorder. Also called: TCOF1-related condition.
Treacher Collins syndrome 1 (TCS1). Also called: TCOF1-Related Treacher Collins Syndrome. Identifiers: Orphanet 861, MedGen CN315775, MONDO:0007944, OMIM 154500.

Submissions (4):

Labcorp Genetics (formerly Invitae), Labcorp
Classification: Pathogenic for Treacher Collins syndrome 1. Last evaluated: 2023-03-08. Review status: criteria provided, single submitter. Criteria: Invitae Variant Classification Sherloc (09022015). Collection method: clinical testing. Allele origin: germline.
Comment: For these reasons, this variant has been classified as Pathogenic. This variant is also known as 1408delAG. This premature translational stop signal has been observed in individual(s) with Treacher Collins Syndrome (PMID: 9096354, 15039977). In at least one individual the variant was observed to be de novo. This variant is not present in population databases (gnomAD no frequency). This sequence change creates a premature translational stop signal (p.Ser547Glnfs*2) in the TCOF1 gene. It is expected to result in an absent or disrupted protein product. Loss-of-function variants in TCOF1 are known to be pathogenic (PMID: 8894686, 22317976).

PreventionGenetics, part of Exact Sciences
Classification: Pathogenic for TCOF1-related condition. Last evaluated: 2022-11-13. Review status: criteria provided, single submitter. Criteria: ACMG Guidelines, 2015. Collection method: clinical testing. Allele origin: germline.
Comment: The TCOF1 c.1639_1640delAG variant is predicted to result in a frameshift and premature protein termination (p.Ser547Glnfs*2). This variant has been previously reported in individuals with Treacher Collins syndrome (reported as 1408delAG in Wise et al. 1997. PubMed ID: 9096354 and Shoo et al. 2004. PubMed ID: 15039977; reported as c.1639_1640delAG in Bowman et al. 2012. PubMed ID: 22317976 and Conte et al. 2011. PubMed ID: 21951868). This variant has not been reported in a large population database, indicating this variant is rare. Frameshift variants in TCOF1 are expected to be pathogenic. This variant is interpreted as pathogenic.

Institute of Human Genetics Munich, TUM University Hospital
Classification: Pathogenic for Treacher Collins syndrome 1. Last evaluated: 2020-01-16. Review status: criteria provided, single submitter. Criteria: Classification criteria August 2017. Collection method: clinical testing. Allele origin: germline. Inheritance: Autosomal dominant inheritance. Affected: yes. Observed: 1 heterozygote.

OMIM
Classification: Pathogenic for TREACHER COLLINS SYNDROME 1. Last evaluated: 2004-04-01. Review status: no assertion criteria provided. Collection method: literature only. Allele origin: germline. Not counted in ClinVar's aggregate classification.

Literature cited by the submitters: PubMed 9096354 (cited by Labcorp Genetics (formerly Invitae), Labcorp); PubMed 15039977 (cited by Labcorp Genetics (formerly Invitae), Labcorp and OMIM); PubMed 8894686 (cited by Labcorp Genetics (formerly Invitae), Labcorp); PubMed 22317976 (cited by Labcorp Genetics (formerly Invitae), Labcorp).

NM_001371623.1(TCOF1):c.1639_1640del (p.Ser547fs)

Gene: TCOF1 (treacle ribosome biogenesis factor 1; plus strand). Cytogenetic location: 5q32.
Variant type: Microsatellite.
Coding change: c.1639_1640del on transcript NM_001371623.1 (MANE Select); coding-DNA positions 1639 to 1640, 2 bases deleted (AG; older notation c.1639_1640delAG).
Protein change: p.Ser547fs; shifts the reading frame from serine 547.
Molecular consequence: frameshift variant.
Genome position (GRCh38, 1-based): chr5:150,375,489-150,375,490, AG deleted; deleting any 2 consecutive bases within chr5:150,375,485-150,375,490 gives the same sequence; the c. name uses the placement nearest the transcript's 3' end. VCF-style (leftmost placement, unchanged base first): chr5-150375484-CAG-C. GRCh37 (hg19) VCF-style: chr5-149755047-CAG-C.
Other names: c.1408_1409del, p.Ser470fs (NM_000356.4, NM_001135245.2); c.1639_1640del, p.Ser547fs (NM_001008657.3, NM_001135243.2, NM_001135244.2 and 1 more transcripts); c.1639_1640delAG (NM_001135243.1); short protein forms S470fs, S547fs.
Identifiers: ClinVar variation 3965 (VCV000003965.12), dbSNP rs587776583, ClinGen allele CA252945.
Genomic context (GRCh38, chr5:150,375,484, plus strand): 5'-CACCCGGGAAGGTGGGGCCTGCAACCCCCTCAGCCCAGGTGGGGAAGTGGGAGGAGGACT[CAG>C]AGAGCAGTAGTGAGGAGTCATCAGACAGCAGTGATGGAGAGGTGCCCACAGCTGTGGCCC-3'